The following is an entry in ClinVar:

NM_001301202.2(RASAL1):c.534G>A (p.Pro178=)

Gene: RASAL1 (RAS protein activator like 1; minus strand). Cytogenetic location: 12q24.13.
Variant type: single nucleotide variant.
Coding change: c.534G>A on transcript NM_001301202.2 (MANE Select); coding-DNA position 534, G replaced by A.
Protein change: p.Pro178=; no amino-acid change (proline 178 retained).
Molecular consequence: synonymous variant. On other transcripts: intron variant (1).
Genome position (GRCh38, 1-based): chr12:113,119,236, C>T on the plus strand (G>A on the coding strand, the complement: RASAL1 is on the minus strand). VCF-style: chr12-113119236-C-T. GRCh37 (hg19) VCF-style: chr12-113557041-C-T.
Other names: c.171G>A, p.Pro57= (NM_001394088.1); c.534G>A, p.Pro178= (NM_004658.3, NM_001193520.2, NM_001193521.3 and 6 more transcripts); c.66-3185G>A (NM_001394089.1); c.342G>A, p.Pro114= (NM_001394087.1).
Identifiers: ClinVar variation 2643349 (VCV002643349.24), dbSNP rs145770939, ClinGen allele CA6802853.

ClinVar aggregate classification (germline): Likely benign (1 of 4 stars; one submission).

Allele frequency attached by ClinVar (database versions not stated): 1000 Genomes Project 30x 0.00016; 1000 Genomes Project 0.00020; TOPMed 0.00036; ESP Exome Variant Server 0.00038; gnomAD 0.00041.
gnomAD v4.1: 1,104 of 1,613,462 alleles (0.068%); highest among the groups gnomAD compares: South Asian, 0.27%; 5 homozygotes.

Submission:

CeGaT Center for Human Genetics Tuebingen
Classification: Likely benign. Last evaluated: 2022-04-01. Review status: criteria provided, single submitter. Criteria: CeGaT Center For Human Genetics Tuebingen Variant Classification Criteria Version 2. Collection method: clinical testing. Allele origin: germline. Affected: yes. Observed: 1 variant allele.
Comment: RASAL1: BP4, BP7